The following is an entry in ClinVar:

NM_000143.4(FH):c.89G>A (p.Gly30Asp)

Gene: FH (fumarate hydratase; minus strand). Cytogenetic location: 1q43.
Variant type: single nucleotide variant.
Coding change: c.89G>A on transcript NM_000143.4 (MANE Select); coding-DNA position 89, G replaced by A.
Protein change: p.Gly30Asp; replaces glycine 30 with aspartic acid.
Molecular consequence: missense variant.
Genome position (GRCh38, 1-based): chr1:241,519,634, C>T on the plus strand (G>A on the coding strand, the complement: FH is on the minus strand). VCF-style: chr1-241519634-C-T. GRCh37 (hg19) VCF-style: chr1-241682934-C-T.
Other names: short protein forms G30D.
Identifiers: ClinVar variation 2587069 (VCV002587069.6), dbSNP rs2147926924, ClinGen allele CA345442737.
Genomic context (GRCh38, chr1:241,519,634, plus strand): 5'-TGGCGGCCTGCGCTCACCATTCGAGCCGCGTTCGGAGGCCAAAACGAGGGCACGGCCGCG[C>T]CACCCAAGCCGGGAGCCGAAGCTAAGGCTGCGGCTGGAGCCCGCACGAGGGGACGCGAGC-3'
Protein context (NP_000134.2, residues 20-40): AALASAPGLG[Gly30Asp]AAVPSFWPPN

ClinVar aggregate classification (germline): Uncertain significance. Review status: criteria provided, multiple submitters, no conflicts (2 of 4 stars). 3 submissions from 3 submitters: Uncertain significance (2). 1 of the submissions does not count toward it. Last evaluated 2024-08-20.

Conditions:
Fumarase deficiency (FMRD). Also called: Fumaric aciduria; Fumarate Hydratase Deficiency. Identifiers: Orphanet 24, MedGen C0342770, MONDO:0011730, OMIM 606812.
Hereditary cancer-predisposing syndrome. Also called: Tumor predisposition; Neoplastic Syndromes, Hereditary; Hereditary Cancer Syndrome; Hereditary neoplastic syndrome. Identifiers: Orphanet 140162, MedGen C0027672, MeSH D009386, MONDO:0015356.

Submissions (3):

Labcorp Genetics (formerly Invitae), Labcorp
Classification: Uncertain significance. Last evaluated: 2024-08-20. Review status: criteria provided, single submitter. Criteria: Invitae Variant Classification Sherloc (09022015). Collection method: clinical testing. Allele origin: germline.
Comment: This sequence change replaces glycine, which is neutral and non-polar, with aspartic acid, which is acidic and polar, at codon 30 of the FH protein (p.Gly30Asp). This variant is not present in population databases (gnomAD no frequency). This variant has not been reported in the literature in individuals affected with FH-related conditions. ClinVar contains an entry for this variant (Variation ID: 2587069). Invitae Evidence Modeling of protein sequence and biophysical properties (such as structural, functional, and spatial information, amino acid conservation, physicochemical variation, residue mobility, and thermodynamic stability) indicates that this missense variant is not expected to disrupt FH protein function with a negative predictive value of 95%. In summary, the available evidence is currently insufficient to determine the role of this variant in disease. Therefore, it has been classified as a Variant of Uncertain Significance.

Ambry Genetics
Classification: Uncertain significance for Hereditary cancer-predisposing syndrome. Last evaluated: 2023-09-14. Review status: criteria provided, single submitter. Criteria: Ambry Variant Classification Scheme 2023. Collection method: clinical testing. Allele origin: germline.
Comment: The p.G30D variant (also known as c.89G>A), located in coding exon 1 of the FH gene, results from a G to A substitution at nucleotide position 89. The glycine at codon 30 is replaced by aspartic acid, an amino acid with similar properties. This amino acid position is conserved. In addition, the in silico prediction for this alteration is inconclusive. Since supporting evidence is limited at this time, the clinical significance of this alteration remains unclear.

Natera, Inc.
Classification: Uncertain significance for Fumarase Deficiency. Last evaluated: 2025-01-30. Review status: no assertion criteria provided. Collection method: clinical testing. Allele origin: germline. Not counted in ClinVar's aggregate classification.